The following is an entry in ClinVar:

ClinVar aggregate classification (germline): Pathogenic. Review status: criteria provided, multiple submitters, no conflicts (2 of 4 stars). 13 submissions from 13 submitters: Pathogenic (12). 1 of the submissions does not count toward it. Last evaluated 2026-01-13.

Conditions:
Cardiovascular phenotype. Identifiers: MedGen CN230736.
Cardiac arrhythmia. Also called: Cardiac rhythm disease; Arrhythmia. Identifiers: MedGen C0003811, MONDO:0007263, HP:0011675.
Long QT syndrome (LQTS). Identifiers: MedGen C0023976, MeSH D008133, MONDO:0002442. Disease mechanism: loss of function. Inheritance: Various modes of inheritance.
Long QT syndrome 1 (LQT1). Identifiers: Orphanet 101016, Orphanet 768, MedGen C4551647, MONDO:0100316, OMIM 192500, MONDO:0008646.

Submissions (13):

Labcorp Genetics (formerly Invitae), Labcorp
Classification: Pathogenic for Long QT syndrome. Last evaluated: 2026-01-13. Review status: criteria provided, single submitter. Criteria: Invitae Variant Classification Sherloc (09022015). Collection method: clinical testing. Allele origin: germline.
Comment: This sequence change creates a premature translational stop signal (p.Lys422Serfs*10) in the KCNQ1 gene. It is expected to result in an absent or disrupted protein product. Loss-of-function variants in KCNQ1 are known to be pathogenic (PMID: 9323054, 19862833). The frequency data for this variant in the population databases is considered unreliable, as metrics indicate poor data quality at this position in the gnomAD database. This premature translational stop signal has been observed in individual(s) with long QT syndrome (PMID: 14998624, 19716085, 19841300, 22456477, 23098067). ClinVar contains an entry for this variant (Variation ID: 52973). For these reasons, this variant has been classified as Pathogenic.

3billion
Classification: Pathogenic for Long QT syndrome 1. Last evaluated: 2025-08-28. Review status: criteria provided, single submitter. Criteria: ACMG Guidelines, 2015. Collection method: clinical testing. Allele origin: germline. Affected: yes.
Comment: The variant is observed at an extremely low frequency in the gnomAD v4.1.0 dataset (total allele frequency: <0.001%). Predicted Consequence/Location: Frameshift: predicted to result in a loss or disruption of normal protein function through nonsense-mediated decay (NMD) or protein truncation. Multiple pathogenic variants are reported downstream of the variant. The variant has been reported at least twice as pathogenic with clinical assertions and evidence for the classification (ClinVar ID: VCV000052973 /PMID: 19716085). Therefore, this variant is classified as Pathogenic according to the recommendation of ACMG/AMP guideline.

GeneDx
Classification: Pathogenic. Last evaluated: 2025-07-17. Review status: criteria provided, single submitter. Criteria: GeneDx Variant Classification Process June 2021. Collection method: clinical testing. Allele origin: germline. Affected: yes.
Comment: Reported in association with sinus bradycardia and LQTS or suspected LQTS in published literature and referred for genetic testing at GeneDx (PMID: 14998624, 19841300, 22456477, 23098067, 32048431); Frameshift variant predicted to result in protein truncation or nonsense mediated decay in a gene for which loss-of-function is a known mechanism of disease; Not observed at significant frequency in large population cohorts (gnomAD); This variant is associated with the following publications: (PMID: 23098067, 19716085, 32048431, 32421437, 30847666, 34505893, 22456477, 19841300, 37568094, 14998624)

Laboratory of Genetics, Children's Clinical University Hospital Latvia
Classification: Pathogenic. Last evaluated: 2025-02-16. Review status: criteria provided, single submitter. Criteria: ACMG Guidelines, 2015. Collection method: clinical testing. Allele origin: germline. Affected: yes.

Ambry Genetics
Classification: Pathogenic for Cardiovascular phenotype. Last evaluated: 2024-12-20. Review status: criteria provided, single submitter. Criteria: Ambry Variant Classification Scheme 2023. Collection method: clinical testing. Allele origin: germline.
Comment: The c.1265delA (p.K422Sfs*10) alteration, located in exon 10 (coding exon 10) of the KCNQ1 gene, consists of a deletion of one nucleotide at position 1265, causing a translational frameshift with a predicted alternate stop codon after 10 amino acids. This alteration is expected to result in loss of function by premature protein truncation or nonsense-mediated mRNA decay. for KCNQ1-related long QT syndrome; however, it is unlikely to be causative of KCNQ1-related short QT syndrome. Based on data from gnomAD, this allele has an overall frequency of 0.001% (3/250000) total alleles studied. The highest observed frequency was 0.006% (1/16132) of African alleles. This variant has been reported in the heterozygous state in multiple individuals with features consistent with long QT syndrome (Kapa, 2009; Kapplinger, 2009; van Lint 2019; Mazzaccara, 2022). This variant has also been identified in the compound heterozygous state in at least one individual with clinical features consistent with autosomal recessive Jervell and Lange-Nielsen syndrome (Zhao, 2023). Based on the available evidence, this alteration is classified as pathogenic.

All of Us Research Program, National Institutes of Health
Classification: Pathogenic for Long QT syndrome. Last evaluated: 2024-09-16. Review status: criteria provided, single submitter. Criteria: ACMG Guidelines, 2015. Collection method: clinical testing. Allele origin: germline. Inheritance: Autosomal dominant inheritance. Observed: 2 variant alleles, 2 heterozygotes.
Comment: This variant deletes 1 nucleotide in exon 10 of the KCNQ1 gene, creating a frameshift and premature translation stop signal. This variant is expected to result in an absent or non-functional protein product. To our knowledge, functional assays have not been performed for this variant. This variant has been reported in several individuals affected with long QT syndrome (PMID: 19716085, 19841300, 22456477, 23098067). This variant has not been identified in the general population by the Genome Aggregation Database (gnomAD). Loss of KCNQ1 function is a known mechanism of disease. Based on available evidence, this variant is classified as Pathogenic.

This study involves interpretation of variants in research participants for the purpose of population health screening. Participant phenotype was not available at the time of variant classification. Additional details can be found in publication PMID: 35346344, PMCID: PMC8962531

CeGaT Center for Human Genetics Tuebingen
Classification: Pathogenic. Last evaluated: 2024-04-01. Review status: criteria provided, single submitter. Criteria: CeGaT Center For Human Genetics Tuebingen Variant Classification Criteria Version 2. Collection method: clinical testing. Allele origin: germline. Affected: yes. Observed: 2 variant alleles.
Comment: KCNQ1: PVS1, PM2, PS4:Moderate

Color Diagnostics, LLC DBA Color Health
Classification: Pathogenic for Cardiac arrhythmia. Last evaluated: 2024-02-21. Review status: criteria provided, single submitter. Criteria: ACMG Guidelines, 2015. Collection method: clinical testing. Allele origin: germline.
Comment: This variant deletes 1 nucleotide in exon 10 of the KCNQ1 gene, creating a frameshift and premature translation stop signal. This variant is expected to result in an absent or non-functional protein product. To our knowledge, functional assays have not been performed for this variant. This variant has been reported in several individuals affected with long QT syndrome (PMID: 19716085, 19841300, 22456477, 23098067). This variant has not been identified in the general population by the Genome Aggregation Database (gnomAD). Loss of KCNQ1 function is a known mechanism of disease. Based on available evidence, this variant is classified as Pathogenic.

Women's Health and Genetics/Laboratory Corporation of America, LabCorp
Classification: Pathogenic for Long QT syndrome. Last evaluated: 2023-05-08. Review status: criteria provided, single submitter. Criteria: LabCorp Variant Classification Summary - May 2015. Collection method: clinical testing. Allele origin: germline.
Comment: Variant summary: KCNQ1 c.1265delA (p.Lys422SerfsX10) results in a premature termination codon, predicted to cause a truncation of the encoded protein or absence of the protein due to nonsense mediated decay, which are commonly known mechanisms for disease. The variant allele was found at a frequency of 1.2e-05 in 250000 control chromosomes. c.1265delA has been reported in the literature in individuals affected with Long QT Syndrome (Kapplinger_2009). These data indicate that the variant may be associated with disease. To our knowledge, no experimental evidence demonstrating an impact on protein function has been reported. Eight clinical diagnostic laboratories have submitted clinical-significance assessments for this variant to ClinVar after 2014 without evidence for independent evaluation. All laboratories classified the variant as pathogenic. Based on the evidence outlined above, the variant was classified as pathogenic.

AiLife Diagnostics
Classification: Pathogenic. Last evaluated: 2021-08-18. Review status: criteria provided, single submitter. Criteria: ACMG Guidelines, 2015. Collection method: clinical testing. Allele origin: germline. Affected: yes. Observed: 1 variant allele.

MVZ Martinsried, Medicover Genetics
Classification: Pathogenic for Long QT syndrome 1. Last evaluated: 2019-12-17. Review status: criteria provided, single submitter. Criteria: ACMG Guidelines, 2015. Collection method: clinical testing. Allele origin: unknown. Affected: yes.

Revvity Omics, Revvity
Classification: Pathogenic. Last evaluated: 2019-02-19. Review status: criteria provided, single submitter. Criteria: ACMG Guidelines, 2015. Collection method: clinical testing. Allele origin: germline.

Gharavi Laboratory, Columbia University
Classification: Pathogenic. Last evaluated: 2018-09-16. Review status: no assertion criteria provided. Criteria: ACMG Guidelines, 2015. Collection method: research. Allele origin: germline. Affected: yes. Not counted in ClinVar's aggregate classification.

Literature cited by the submitters: PubMed 9323054 (cited by Labcorp Genetics (formerly Invitae), Labcorp); PubMed 19862833 (cited by Labcorp Genetics (formerly Invitae), Labcorp); PubMed 14998624 (cited by Labcorp Genetics (formerly Invitae), Labcorp); PubMed 19716085 (cited by 7 submitters); PubMed 19841300 (cited by 4 submitters); PubMed 22456477 (cited by 3 submitters); PubMed 23098067 (cited by 3 submitters); PubMed 30847666 (cited by Ambry Genetics and AiLife Diagnostics); PubMed 36291626 (cited by Ambry Genetics); PubMed 32048431 (cited by AiLife Diagnostics).

NM_000218.3(KCNQ1):c.1265del (p.Lys422fs)

Gene: KCNQ1 (potassium voltage-gated channel subfamily Q member 1; plus strand). Cytogenetic location: 11p15.5.
Variant type: Deletion.
Coding change: c.1265del on transcript NM_000218.3 (MANE Select); coding-DNA position 1265, one base deleted (A; older notation c.1265delA).
Protein change: p.Lys422fs; shifts the reading frame from lysine 422.
Molecular consequence: frameshift variant.
Genome position (GRCh38, 1-based): chr11:2,588,726, A deleted; the last of 8 consecutive A bases (chr11:2,588,719-2,588,726); deleting any one gives the same sequence. VCF-style (leftmost placement, unchanged base first): chr11-2588718-GA-G. GRCh37 (hg19) VCF-style: chr11-2609948-GA-G.
Other names: c.1258delA (NM_000218.3); c.1265delA, p.Lys422Serfs (NM_000218.2); c.1169delA, p.Lys390Serfs (NM_001406836.1); c.995delA, p.Lys332Serfs (NM_001406837.1); c.725delA, p.Lys242Serfs (NM_001406838.1); c.884delA, p.Lys295Serfs (NM_181798.2); short protein forms K295fs, K422fs.
Identifiers: ClinVar variation 52973 (VCV000052973.54), dbSNP rs397508083, ClinGen allele CA005556.